The following is an entry in ClinVar:

ClinVar aggregate classification (germline): Uncertain significance. Review status: criteria provided, multiple submitters, no conflicts (2 of 4 stars). 2 submissions from 2 submitters: Uncertain significance (2). Last evaluated 2023-02-15.

Conditions:
Inborn genetic diseases. Identifiers: MedGen C0950123, MeSH D030342.
ARMC5-related disorder. Also called: ARMC5-related condition.

Allele frequency attached by ClinVar (database versions not stated): ExAC 0.00004.
gnomAD v4.1: 2 of 1,570,874 alleles (0.00013%); highest among the groups gnomAD compares: Non-Finnish European, 0.00017%; no homozygotes.

Submissions (2):

Ambry Genetics
Classification: Uncertain significance for Inborn genetic diseases. Last evaluated: 2023-02-15. Review status: criteria provided, single submitter. Criteria: Ambry Variant Classification Scheme 2023. Collection method: clinical testing. Allele origin: germline.

PreventionGenetics, part of Exact Sciences
Classification: Uncertain significance for ARMC5-related condition. Last evaluated: 2022-12-30. Review status: criteria provided, single submitter. Criteria: ACMG Guidelines, 2015. Collection method: clinical testing. Allele origin: germline.
Comment: The ARMC5 c.449C>T variant is predicted to result in the amino acid substitution p.Ala150Val. To our knowledge, this variant has not been reported in the literature. This variant is reported in 0.0044% of alleles in individuals of European (Non-Finnish) descent in gnomAD. At this time, the clinical significance of this variant is uncertain due to the absence of conclusive functional and genetic evidence.

NM_001105247.2(ARMC5):c.164C>T (p.Ala55Val)

Gene: ARMC5 (armadillo repeat containing 5; plus strand). Cytogenetic location: 16p11.2.
Variant type: single nucleotide variant.
Coding change: c.164C>T on transcript NM_001105247.2 (MANE Select); coding-DNA position 164, C replaced by T.
Protein change: p.Ala55Val; replaces alanine 55 with valine.
Molecular consequence: missense variant.
Genome position (GRCh38, 1-based): chr16:31,459,688, C>T. VCF-style: chr16-31459688-C-T. GRCh37 (hg19) VCF-style: chr16-31471009-C-T.
Other names: c.449C>T, p.Ala150Val (NM_001288767.2); c.260C>T, p.Ala87Val (NM_001301820.1); c.164C>T, p.Ala55Val (NM_024742.2); c.449C>T (NM_001288767.1); short protein forms A150V, A87V, A55V.
Identifiers: ClinVar variation 2468943 (VCV002468943.3), dbSNP rs754286092, ClinGen allele CA8029365.